The following is an entry in ClinVar:

NM_001042750.2(STAG2):c.1018-3_1018-2insTA

Gene: STAG2 (STAG2 cohesin complex component; plus strand). Cytogenetic location: Xq25.
Variant type: Insertion.
Coding change: c.1018-3_1018-2insTA on transcript NM_001042750.2 (MANE Select); 3 bases into the intron before coding-DNA position 1018 through the canonical splice acceptor site of the intron before coding-DNA position 1018, TA inserted.
Molecular consequence: splice acceptor variant.
Genome position: GRCh38 VCF-style: chrX-124051118-T-TTA. GRCh37 (hg19) VCF-style: chrX-123184968-T-TTA.
Other names: c.1018-3_1018-2insTA (NM_001042749.2, NM_001375366.1, NM_001375373.1 and 13 more transcripts).
Identifiers: ClinVar variation 2874519 (VCV002874519.3), dbSNP rs2058027838, ClinGen allele CA2456107848.
Genomic context (GRCh38, chrX:124,051,118, plus strand): 5'-TTGAAGTTGAAAATACATAGAGTTTTAATGCATTGTCTCATCTTTTTTTTTTTTTTTTTT[T>TTA]AGCAAGGTGAAGTAAGACTCAAATGTCTTACTGCTCTACAAGGGCTTTATTATAACAAAG-3'

ClinVar aggregate classification (germline): Uncertain significance (1 of 4 stars; one submission).

Submission:

Labcorp Genetics (formerly Invitae), Labcorp
Classification: Uncertain significance. Last evaluated: 2023-06-16. Review status: criteria provided, single submitter. Criteria: Invitae Variant Classification Sherloc (09022015). Collection method: clinical testing. Allele origin: germline.
Comment: This variant is not present in population databases (gnomAD no frequency). In summary, the available evidence is currently insufficient to determine the role of this variant in disease. Therefore, it has been classified as a Variant of Uncertain Significance. Variants that disrupt the consensus splice site are a relatively common cause of aberrant splicing (PMID: 17576681, 9536098). Algorithms developed to predict the effect of sequence changes on RNA splicing suggest that this variant may create or strengthen a splice site. This variant has not been reported in the literature in individuals affected with STAG2-related conditions. This sequence change falls in intron 11 of the STAG2 gene. It does not directly change the encoded amino acid sequence of the STAG2 protein. It affects a nucleotide within the consensus splice site.

Literature cited by the submitters: PubMed 17576681; PubMed 9536098.